The following is an entry in ClinVar:

NM_015294.6(TRIM37):c.1816G>A (p.Ala606Thr)

Gene: TRIM37 (tripartite motif containing 37; minus strand). Cytogenetic location: 17q22.
Variant type: single nucleotide variant.
Coding change: c.1816G>A on transcript NM_015294.6 (MANE Select); coding-DNA position 1816, G replaced by A.
Protein change: p.Ala606Thr; replaces alanine 606 with threonine.
Molecular consequence: missense variant. On other transcripts: non-coding transcript variant (2).
Genome position (GRCh38, 1-based): chr17:59,032,028, C>T on the plus strand (G>A on the coding strand, the complement: TRIM37 is on the minus strand). VCF-style: chr17-59032028-C-T. GRCh37 (hg19) VCF-style: chr17-57109389-C-T.
Other names: c.1816G>A, p.Ala606Thr (NM_001005207.5, NM_001320988.3, NM_001320989.3 and 1 more transcripts); c.1714G>A, p.Ala572Thr (NM_001320987.3, NM_001353082.2); c.1450G>A, p.Ala484Thr (NM_001320990.3); c.1081G>A, p.Ala361Thr (NM_001353083.2); c.1354G>A, p.Ala452Thr (NM_001353085.2); c.1765G>A, p.Ala589Thr (NM_001353086.2); short protein forms A361T, A452T, A484T, A572T, A589T, A606T.
Identifiers: ClinVar variation 4813165 (VCV004813165.1).

ClinVar aggregate classification (germline): Uncertain significance (1 of 4 stars; one submission).

Conditions:
Mulibrey nanism syndrome. Also called: MUSCLE-LIVER-BRAIN-EYE NANISM; PERHEENTUPA SYNDROME; PERICARDIAL CONSTRICTION AND GROWTH FAILURE. Identifiers: Orphanet 2576, MedGen C0524582, MONDO:0009664, OMIM 253250.

Submission:

St. Jude Molecular Pathology, St. Jude Children's Research Hospital
Classification: Uncertain significance for Mulibrey nanism syndrome. Last evaluated: 2026-02-11. Review status: criteria provided, single submitter. Criteria: St. Jude Assertion Criteria 2020. Collection method: clinical testing. Allele origin: germline.
Comment: The TRIM37 c.1816G>A p.(Ala606Thr) missense change has a maximum subpopulation frequency of 0.01% in gnomAD v2.1.1. The in silico tool REVEL predicts a benign effect on protein function, but to our knowledge this prediction has not been confirmed by functional studies. To our knowledge, this variant has not been reported in individuals with Mulibrey nanism. In summary, the evidence currently available is insufficient to determine the clinical significance of this variant. It has therefore been classified as of uncertain significance.